The following is an entry in ClinVar:

ClinVar aggregate classification (germline): Uncertain significance (1 of 4 stars; one submission).

Submission:

Labcorp Genetics (formerly Invitae), Labcorp
Classification: Uncertain significance. Last evaluated: 2023-05-26. Review status: criteria provided, single submitter. Criteria: Invitae Variant Classification Sherloc (09022015). Collection method: clinical testing. Allele origin: germline.
Comment: This variant is not present in population databases (gnomAD no frequency). This sequence change replaces serine, which is neutral and polar, with arginine, which is basic and polar, at codon 1359 of the SAMD9L protein (p.Ser1359Arg). This variant has not been reported in the literature in individuals affected with SAMD9L-related conditions. In summary, the available evidence is currently insufficient to determine the role of this variant in disease. Therefore, it has been classified as a Variant of Uncertain Significance. Advanced modeling of protein sequence and biophysical properties (such as structural, functional, and spatial information, amino acid conservation, physicochemical variation, residue mobility, and thermodynamic stability) performed at Invitae indicates that this missense variant is not expected to disrupt SAMD9L protein function.

NM_152703.5(SAMD9L):c.4075A>C (p.Ser1359Arg)

Gene: SAMD9L (sterile alpha motif domain containing 9 like; minus strand). Cytogenetic location: 7q21.2.
Variant type: single nucleotide variant.
Coding change: c.4075A>C on transcript NM_152703.5 (MANE Select); coding-DNA position 4075, A replaced by C.
Protein change: p.Ser1359Arg; replaces serine 1359 with arginine.
Molecular consequence: missense variant.
Genome position (GRCh38, 1-based): chr7:93,131,897, T>G on the plus strand (A>C on the coding strand, the complement: SAMD9L is on the minus strand). VCF-style: chr7-93131897-T-G. GRCh37 (hg19) VCF-style: chr7-92761210-T-G.
Other names: c.4075A>C, p.Ser1359Arg (NM_001303496.3, NM_001303497.3, NM_001303498.3 and 5 more transcripts); short protein forms S1359R.
Identifiers: ClinVar variation 2730489 (VCV002730489.3), dbSNP rs2535406478, ClinGen allele CA368177535.